The following is an entry in ClinVar:

ClinVar aggregate classification (germline): Uncertain significance (1 of 4 stars; one submission).

Allele frequency attached by ClinVar (database versions not stated): gnomAD exomes below 0.00001.
gnomAD v4.1: 1 of 1,613,812 alleles (0.000062%); highest among the groups gnomAD compares: Non-Finnish European, 0.000085%; no homozygotes.

Submission:

Labcorp Genetics (formerly Invitae), Labcorp
Classification: Uncertain significance. Last evaluated: 2020-02-02. Review status: criteria provided, single submitter. Criteria: Invitae Variant Classification Sherloc (09022015). Collection method: clinical testing. Allele origin: germline.
Comment: Algorithms developed to predict the effect of missense changes on protein structure and function (SIFT, PolyPhen-2, Align-GVGD) all suggest that this variant is likely to be tolerated, but these predictions have not been confirmed by published functional studies and their clinical significance is uncertain. In summary, the available evidence is currently insufficient to determine the role of this variant in disease. Therefore, it has been classified as a Variant of Uncertain Significance. This variant has not been reported in the literature in individuals with MYO1E-related conditions. This variant is not present in population databases (ExAC no frequency). This sequence change replaces serine with glycine at codon 301 of the MYO1E protein (p.Ser301Gly). The serine residue is moderately conserved and there is a small physicochemical difference between serine and glycine.

NM_004998.4(MYO1E):c.901A>G (p.Ser301Gly)

Gene: MYO1E (myosin IE; minus strand). Cytogenetic location: 15q22.2.
Variant type: single nucleotide variant.
Coding change: c.901A>G on transcript NM_004998.4 (MANE Select); coding-DNA position 901, A replaced by G.
Protein change: p.Ser301Gly; replaces serine 301 with glycine.
Molecular consequence: missense variant.
Genome position (GRCh38, 1-based): chr15:59,223,068, T>C on the plus strand (A>G on the coding strand, the complement: MYO1E is on the minus strand). VCF-style: chr15-59223068-T-C. GRCh37 (hg19) VCF-style: chr15-59515267-T-C.
Other names: short protein forms S301G.
Identifiers: ClinVar variation 1000946 (VCV001000946.9), dbSNP rs2079966072, ClinGen allele CA392641949.